The following is an entry in ClinVar:

ClinVar aggregate classification (germline): Likely benign (1 of 4 stars; one submission).

Conditions:
Leigh syndrome (NULS). Also called: Leigh's necrotizing encephalopathy; Leigh's disease; Leigh Syndrome (mtDNA deletion); Leigh Disease; Subacute necrotizing encephalopathy; Necrotizing encephalopathy infantile subacute of Leigh. Identifiers: Orphanet 506, MedGen C2931891, MONDO:0009723, OMIM 256000.

Submission:

Wong Mito Lab, Molecular and Human Genetics, Baylor College of Medicine
Classification: Likely benign for Leigh syndrome. Last evaluated: 2019-10-17. Review status: criteria provided, single submitter. Criteria: Modified ACMG Guidelines (Unpublished). Collection method: clinical testing. Allele origin: germline.
Comment: The NC_012920.1:m.7159T>C (YP_003024028.1:p.Ile419Thr) variant in MTCO1 gene is interpretated to be a Likely Benign variant based on the modified ACMG guidelines (unpublished). This variant meets the following evidence codes: BS1, BP4, BP6

NC_012920.1(MT-CO1):m.7159T>C

Gene: MT-CO1 (mitochondrially encoded cytochrome c oxidase I; plus strand).
Variant type: single nucleotide variant.
Genome position: chrM-7159-T-C.
Identifiers: ClinVar variation 692713 (VCV000692713.1), dbSNP rs3929989, ClinGen allele CA337097563.
Genomic context (GRCh38, chrMT:7,159, plus strand): 5'-TATTCTCAGGCTACACCCTAGACCAAACCTACGCCAAAATCCATTTCACTATCATATTCA[T>C]CGGCGTAAATCTAACTTTCTTCCCACAACACTTTCTCGGCCTATCCGGAATGCCCCGACG-3'